The following is an entry in ClinVar:

NM_004612.4(TGFBR1):c.118C>T (p.Leu40Phe)

Gene: TGFBR1 (transforming growth factor beta receptor 1; plus strand). Cytogenetic location: 9q22.33.
Variant type: single nucleotide variant.
Coding change: c.118C>T on transcript NM_004612.4 (MANE Select); coding-DNA position 118, C replaced by T.
Protein change: p.Leu40Phe; replaces leucine 40 with phenylalanine.
Molecular consequence: missense variant. On other transcripts: 5 prime UTR variant (15), non-coding transcript variant (4), intron variant (3).
Genome position (GRCh38, 1-based): chr9:99,128,875, C>T. VCF-style: chr9-99128875-C-T. GRCh37 (hg19) VCF-style: chr9-101891157-C-T.
Other names: c.118C>T, p.Leu40Phe (NM_001130916.3, NM_001306210.2, NM_001407416.1 and 2 more transcripts); c.-90C>T (NM_001407418.1, NM_001407419.1, NM_001407420.1 and 12 more transcripts); c.98-3634C>T (NM_001407436.1); c.98-8984C>T (NM_001407438.1); c.98-13661C>T (NM_001407437.1); short protein forms L40F.
Identifiers: ClinVar variation 5030828 (VCV005030828.1).

ClinVar aggregate classification (germline): Uncertain significance (1 of 4 stars; one submission).

Conditions:
Familial thoracic aortic aneurysm and aortic dissection (TAAD). Also called: Thoracic aortic aneurysms and dissections. Identifiers: Orphanet 91387, MedGen C4707243, MONDO:0019625.

Submission:

Ambry Genetics
Classification: Uncertain significance for Familial thoracic aortic aneurysm and aortic dissection. Last evaluated: 2026-07-06. Review status: criteria provided, single submitter. Criteria: Ambry Variant Classification Scheme 2023. Collection method: clinical testing. Allele origin: germline.
Comment: The p.L40F variant (also known as c.118C>T), located in coding exon 2 of the TGFBR1 gene, results from a C to T substitution at nucleotide position 118. The leucine at codon 40 is replaced by phenylalanine, an amino acid with highly similar properties. This amino acid position is conserved. In addition, the in silico prediction for this alteration is inconclusive. Based on the available evidence, the clinical significance of this variant remains unclear.